The following is an entry in ClinVar:

ClinVar aggregate classification (germline): Pathogenic/Likely pathogenic. Review status: criteria provided, multiple submitters, no conflicts (2 of 4 stars). 3 submissions from 3 submitters: Pathogenic (1); Likely pathogenic (2). Last evaluated 2022-05-10.

Conditions:
Kabuki syndrome 1 (KABUK1). Also called: KMT2D-Related Kabuki Syndrome. Identifiers: Orphanet 2322, MedGen CN030661, MONDO:0007843, OMIM 147920.

Submissions (3):

GeneDx
Classification: Likely pathogenic. Last evaluated: 2022-05-10. Review status: criteria provided, single submitter. Criteria: GeneDx Variant Classification Process June 2021. Collection method: clinical testing. Allele origin: germline. Affected: yes.
Comment: Nonsense variant predicted to result in protein truncation or nonsense mediated decay in a gene for which loss of function is a known mechanism of disease; Not observed at significant frequency in large population cohorts (gnomAD); Has not been previously published as pathogenic or benign to our knowledge

Center for Human Genetics, Inc
Classification: Likely pathogenic for Kabuki syndrome 1. Last evaluated: 2016-11-01. Review status: criteria provided, single submitter. Criteria: ACMG Guidelines, 2015. Collection method: clinical testing. Allele origin: germline. Affected: yes.

Eurofins Ntd Llc (ga)
Classification: Pathogenic. Last evaluated: 2013-07-30. Review status: criteria provided, single submitter. Criteria: EGL Classification Definitions. Collection method: clinical testing. Allele origin: germline. Observed: 1 variant allele, 1 heterozygote.

NM_003482.4(KMT2D):c.11692C>T (p.Gln3898Ter)

Gene: KMT2D (lysine methyltransferase 2D; minus strand). Cytogenetic location: 12q13.12.
Variant type: single nucleotide variant.
Coding change: c.11692C>T on transcript NM_003482.4 (MANE Select); coding-DNA position 11692, C replaced by T.
Protein change: p.Gln3898Ter; replaces glutamine 3898 with a stop codon.
Molecular consequence: nonsense.
Genome position (GRCh38, 1-based): chr12:49,033,013, G>A on the plus strand (C>T on the coding strand, the complement: KMT2D is on the minus strand). VCF-style: chr12-49033013-G-A. GRCh37 (hg19) VCF-style: chr12-49426796-G-A.
Other names: short protein forms Q3898*.
Identifiers: ClinVar variation 94151 (VCV000094151.8), dbSNP rs398123708, ClinGen allele CA221995.